The following is an entry in ClinVar:

ClinVar aggregate classification (germline): Uncertain significance (1 of 4 stars; one submission).

Conditions:
Familial focal epilepsy with variable foci (FPEVF). Identifiers: Orphanet 98820, MedGen C1858477, MONDO:0020310.

gnomAD v4.1: 10 of 1,613,978 alleles (0.00062%); highest among the groups gnomAD compares: Middle Eastern, 0.016%; no homozygotes.

Submission:

Labcorp Genetics (formerly Invitae), Labcorp
Classification: Uncertain significance for Familial focal epilepsy with variable foci. Last evaluated: 2024-06-17. Review status: criteria provided, single submitter. Criteria: Invitae Variant Classification Sherloc (09022015). Collection method: clinical testing. Allele origin: germline.
Comment: This sequence change replaces alanine, which is neutral and non-polar, with serine, which is neutral and polar, at codon 1562 of the DEPDC5 protein (p.Ala1562Ser). This variant is present in population databases (no rsID available, gnomAD 0.01%). This variant has not been reported in the literature in individuals affected with DEPDC5-related conditions. ClinVar contains an entry for this variant (Variation ID: 1062631). Experimental studies and prediction algorithms are not available or were not evaluated, and the functional significance of this variant is currently unknown. In summary, the available evidence is currently insufficient to determine the role of this variant in disease. Therefore, it has been classified as a Variant of Uncertain Significance.

NM_001242896.3(DEPDC5):c.4684G>T (p.Ala1562Ser)

Gene: DEPDC5 (DEP domain containing 5, GATOR1 subcomplex subunit; plus strand). Cytogenetic location: 22q12.3.
Variant type: single nucleotide variant.
Coding change: c.4684G>T on transcript NM_001242896.3 (MANE Select); coding-DNA position 4684, G replaced by T.
Protein change: p.Ala1562Ser; replaces alanine 1562 with serine.
Molecular consequence: missense variant. On other transcripts: non-coding transcript variant (5).
Genome position (GRCh38, 1-based): chr22:31,906,369, G>T. VCF-style: chr22-31906369-G-T. GRCh37 (hg19) VCF-style: chr22-32302355-G-T.
Other names: c.4657G>T, p.Ala1553Ser (NM_001136029.4); c.4384G>T, p.Ala1462Ser (NM_001242897.2); c.4618G>T, p.Ala1540Ser (NM_001363852.2, NM_001364320.2); c.4450G>T, p.Ala1484Ser (NM_001363854.2, NM_001364319.2); c.4684G>T, p.Ala1562Ser (NM_001364318.2); c.4600G>T, p.Ala1534Ser (NM_001369901.1, NM_001369902.1); c.4591G>T, p.Ala1531Ser (NM_001369903.1, NM_014662.6); short protein forms A1462S, A1484S, A1531S, A1534S, A1540S, A1553S, A1562S.
Identifiers: ClinVar variation 1062631 (VCV001062631.9), dbSNP rs373645855, ClinGen allele CA323356492.